The following is an entry in ClinVar:

ClinVar aggregate classification (germline): Uncertain significance (1 of 4 stars; one submission).

Conditions:
Hereditary cancer-predisposing syndrome. Also called: Neoplastic Syndromes, Hereditary; Tumor predisposition; Hereditary neoplastic syndrome; Hereditary Cancer Syndrome. Identifiers: Orphanet 140162, MedGen C0027672, MeSH D009386, MONDO:0015356.

Submission:

Ambry Genetics
Classification: Uncertain significance for Hereditary cancer-predisposing syndrome. Last evaluated: 2023-10-15. Review status: criteria provided, single submitter. Criteria: Ambry Variant Classification Scheme 2023. Collection method: clinical testing. Allele origin: germline.
Comment: The p.N215K variant (also known as c.645C>G), located in coding exon 4 of the BARD1 gene, results from a C to G substitution at nucleotide position 645. The asparagine at codon 215 is replaced by lysine, an amino acid with similar properties. This amino acid position is conserved. In addition, this alteration is predicted to be tolerated by in silico analysis. Since supporting evidence is limited at this time, the clinical significance of this alteration remains unclear.

NM_000465.4(BARD1):c.645C>G (p.Asn215Lys)

Gene: BARD1 (BRCA1 associated RING domain 1; minus strand). Cytogenetic location: 2q35.
Variant type: single nucleotide variant.
Coding change: c.645C>G on transcript NM_000465.4 (MANE Select); coding-DNA position 645, C replaced by G.
Protein change: p.Asn215Lys; replaces asparagine 215 with lysine.
Molecular consequence: missense variant. On other transcripts: non-coding transcript variant (2), intron variant (3).
Genome position (GRCh38, 1-based): chr2:214,781,229, G>C on the plus strand (C>G on the coding strand, the complement: BARD1 is on the minus strand). VCF-style: chr2-214781229-G-C. GRCh37 (hg19) VCF-style: chr2-215645953-G-C.
Other names: c.588C>G, p.Asn196Lys (NM_001282543.2); c.158+28183C>G (NM_001282548.2); c.215+15832C>G (NM_001282545.2); c.364+11068C>G (NM_001282549.2); short protein forms N196K, N215K.
Identifiers: ClinVar variation 3231805 (VCV003231805.1), dbSNP rs1328709218, ClinGen allele CA350456611.